The following is an entry in ClinVar:

ClinVar aggregate classification (germline): Conflicting classifications of pathogenicity. Review status: criteria provided, conflicting classifications (1 of 4 stars). 11 submissions from 10 submitters: Uncertain significance (1); Benign (5); Likely benign (3). 2 of the submissions do not count toward it. Last evaluated 2026-02-04.

Conditions:
Arterial calcification, generalized, of infancy, 1 (GACI1). Also called: Idiopathic Infantile Arterial Calcification. Identifiers: Orphanet 51608, MedGen C4551985, MONDO:0008817, OMIM 208000.
Hypophosphatemic rickets, autosomal recessive, 2 (ARHR2). Identifiers: Orphanet 289176, MedGen C2750078, MONDO:0013219, OMIM 613312.
Type 2 diabetes mellitus. Also called: Type II diabetes mellitus. Identifiers: MedGen C0011860, MeSH D003924, MONDO:0005148, OMIM 125853, HP:0005978.

Allele frequency attached by ClinVar (database versions not stated): 1000 Genomes Project 30x 0.01780; TOPMed 0.02116; gnomAD exomes 0.03306; ExAC 0.03319; 1000 Genomes Project 0.01877; gnomAD 0.02826 and 0.02777.
gnomAD v4.1: 54,637 of 1,613,628 alleles (3.4%); highest among the groups gnomAD compares: South Asian, 4%; 1,228 homozygotes.

Submissions (11):

Labcorp Genetics (formerly Invitae), Labcorp
Classification: Benign. Last evaluated: 2026-02-04. Review status: criteria provided, single submitter. Criteria: Invitae Variant Classification Sherloc (09022015). Collection method: clinical testing. Allele origin: germline.

Blueprint Genetics
Classification: Benign. Last evaluated: 2024-11-26. Review status: criteria provided, single submitter. Criteria: ACMG Guidelines, 2015. Collection method: clinical testing. Allele origin: germline.

Mayo Clinic Laboratories, Mayo Clinic
Classification: Benign. Last evaluated: 2023-12-15. Review status: criteria provided, single submitter. Criteria: ACMG Guidelines, 2015. Collection method: clinical testing. Allele origin: germline. Observed: 10 variant alleles.
Comment: BA1, BS2

GeneDx
Classification: Benign. Last evaluated: 2018-09-13. Review status: criteria provided, single submitter. Criteria: GeneDx Variant Classification Process June 2021. Collection method: clinical testing. Allele origin: germline. Affected: yes.
Comment: This variant is associated with the following publications: (PMID: 22995991, 20981092, 21228398, 12881724, 27884173, 27467858)

Illumina Laboratory Services, Illumina
Classification: Likely benign for Hypophosphatemic rickets, autosomal recessive, 2. Last evaluated: 2017-04-27. Review status: criteria provided, single submitter. Criteria: ICSL Variant Classification Criteria 13 December 2019. Collection method: clinical testing. Allele origin: germline.
Comment: This variant was observed as part of a predisposition screen in an ostensibly healthy population. A literature search was performed for the gene, cDNA change, and amino acid change (where applicable). No publications were found based on this search. Allele frequency data from public databases allowed determination this variant is unlikely to cause disease. Therefore, this variant is classified as likely benign.

Illumina Laboratory Services, Illumina
Classification: Likely benign for Arterial calcification, generalized, of infancy, 1. Last evaluated: 2017-04-27. Review status: criteria provided, single submitter. Criteria: ICSL Variant Classification Criteria 13 December 2019. Collection method: clinical testing. Allele origin: germline.
Comment: This variant was observed as part of a predisposition screen in an ostensibly healthy population. A literature search was performed for the gene, cDNA change, and amino acid change (where applicable). Publications were found based on this search. The evidence from the literature, in combination with allele frequency data from public databases where available, was sufficient to determine this variant is unlikely to cause disease. Therefore, this variant is classified as likely benign.

Laboratory for Molecular Medicine, Mass General Brigham Personalized Medicine
Classification: Likely benign. Last evaluated: 2016-03-29. Review status: criteria provided, single submitter. Criteria: LMM Criteria. Collection method: clinical testing. Allele origin: germline.
Comment: Variant identified in a genome or exome case(s) and assessed due to predicted null impact of the variant or pathogenic assertions in the literature or databases. Disclaimer: This variant has not undergone full assessment. The following are preliminary notes: Frequency in ESP (all): 344/13006=2.64%

Eurofins Ntd Llc (ga)
Classification: Benign. Last evaluated: 2014-12-08. Review status: criteria provided, single submitter. Criteria: EGL Classification Definitions 2015. Collection method: clinical testing. Allele origin: germline. Observed: 1 variant allele, 1 heterozygote.

Clinical Genomics, Uppaluri K&H Personalized Medicine Clinic
Classification: Uncertain significance for Type 2 diabetes mellitus. Review status: criteria provided, single submitter. Criteria: K&H Uppaluri Personalized Medicine Clinic Variant Classification & Assertion Criteria. Collection method: research. Allele origin: somatic. Inheritance: Autosomal dominant inheritance.
Comment: ENPP1 gene is associated with type 2 diabetes mellitus and increased insulin resistance. It is also associated with calcification of coronary artery disease, increasing the chances of macrovascular complications in diabetes. However, the role of rs28933977 in type 2 diabetes remains uncertain.

OMIM
Classification: Benign for RECLASSIFIED - ENPP POLYMORPHISM. Last evaluated: 2010-02-12. Review status: no assertion criteria provided. Collection method: literature only. Allele origin: germline. Not counted in ClinVar's aggregate classification.

GeneReviews
No classification provided. Condition: Arterial calcification, generalized, of infancy, 1. Review status: no classification provided. Collection method: literature only. Allele origin: germline. Affected: yes. Not counted in ClinVar's aggregate classification.

Literature cited by the submitters: PubMed 12881724 (cited by 3 submitters); PubMed 27467858 (cited by Mayo Clinic Laboratories, Mayo Clinic and Clinical Genomics, Uppaluri K&H Personalized Medicine Clinic); PubMed 33005041 (cited by Mayo Clinic Laboratories, Mayo Clinic); PubMed 35475527 (cited by Mayo Clinic Laboratories, Mayo Clinic); PubMed 20137773 (cited by OMIM); NCBI Bookshelf NBK253403 (cited by GeneReviews).

NM_006208.3(ENPP1):c.2320C>T (p.Arg774Cys)

Gene: ENPP1 (ectonucleotide pyrophosphatase/phosphodiesterase 1; plus strand). Cytogenetic location: 6q23.2.
Variant type: single nucleotide variant.
Coding change: c.2320C>T on transcript NM_006208.3 (MANE Select); coding-DNA position 2320, C replaced by T.
Protein change: p.Arg774Cys; replaces arginine 774 with cysteine.
Molecular consequence: missense variant.
Genome position (GRCh38, 1-based): chr6:131,884,939, C>T. VCF-style: chr6-131884939-C-T. GRCh37 (hg19) VCF-style: chr6-132206079-C-T.
Other names: short protein forms R774C.
Identifiers: ClinVar variation 13586 (VCV000013586.25), dbSNP rs28933977, ClinGen allele CA201928.